The following is an entry in ClinVar:

ClinVar aggregate classification (germline): Uncertain significance. Review status: criteria provided, multiple submitters, no conflicts (2 of 4 stars). 2 submissions from 2 submitters: Uncertain significance (2). Last evaluated 2024-01-20.

Conditions:
Deficiency of adenosine deaminase 2. Also called: Polyarteritis nodosa, childhoood-onset; Adenosine Deaminase 2 Deficiency; VASCULITIS, AUTOINFLAMMATION, IMMUNODEFICIENCY, AND HEMATOLOGIC DEFECTS SYNDROME. Identifiers: Orphanet 404553, MedGen C3887654, MONDO:0014306, OMIM 615688, MONDO:0100317.
Sneddon syndrome (SNDNS). Also called: LIVEDO RETICULARIS AND CEREBROVASCULAR ACCIDENTS; Idiopathic livedo reticularis with systemic involvement. Identifiers: Orphanet 820, MedGen C0282492, MONDO:0008436, OMIM 182410.

Allele frequency attached by ClinVar (database versions not stated): gnomAD exomes below 0.00001; TOPMed below 0.00001; gnomAD 0.00001; ExAC 0.00002.
gnomAD v4.1: 9 of 1,610,378 alleles (0.00056%); highest among the groups gnomAD compares: East Asian, 0.0022%; no homozygotes.

Submissions (2):

Fulgent Genetics
Classification: Uncertain significance for Sneddon syndrome; Deficiency of adenosine deaminase 2. Last evaluated: 2024-01-20. Review status: criteria provided, single submitter. Criteria: ACMG Guidelines, 2015. Collection method: clinical testing. Allele origin: germline.

Labcorp Genetics (formerly Invitae), Labcorp
Classification: Uncertain significance for Deficiency of adenosine deaminase 2. Last evaluated: 2022-06-15. Review status: criteria provided, single submitter. Criteria: Invitae Variant Classification Sherloc (09022015). Collection method: clinical testing. Allele origin: germline.
Comment: This sequence change replaces valine, which is neutral and non-polar, with methionine, which is neutral and non-polar, at codon 119 of the ADA2 protein (p.Val119Met). In summary, the available evidence is currently insufficient to determine the role of this variant in disease. Therefore, it has been classified as a Variant of Uncertain Significance. This variant is present in population databases (rs769161033, gnomAD 0.005%). This variant has not been reported in the literature in individuals affected with ADA2-related conditions. Algorithms developed to predict the effect of missense changes on protein structure and function (SIFT, PolyPhen-2, Align-GVGD) all suggest that this variant is likely to be tolerated.

NM_001282225.2(ADA2):c.355G>A (p.Val119Met)

Gene: ADA2 (adenosine deaminase 2; minus strand). Cytogenetic location: 22q11.1.
Variant type: single nucleotide variant.
Coding change: c.355G>A on transcript NM_001282225.2 (MANE Select); coding-DNA position 355, G replaced by A.
Protein change: p.Val119Met; replaces valine 119 with methionine.
Molecular consequence: missense variant. On other transcripts: 5 prime UTR variant (1).
Genome position (GRCh38, 1-based): chr22:17,207,258, C>T on the plus strand (G>A on the coding strand, the complement: ADA2 is on the minus strand). VCF-style: chr22-17207258-C-T. GRCh37 (hg19) VCF-style: chr22-17688148-C-T.
Other names: c.355G>A, p.Val119Met (NM_001282226.2); c.229G>A, p.Val77Met (NM_001282227.2, NM_001282228.2); c.-6G>A (NM_001282229.2); short protein forms V119M, V77M.
Identifiers: ClinVar variation 2176003 (VCV002176003.5), dbSNP rs769161033, ClinGen allele CA10088259.